The following is an entry in ClinVar:

NM_001035.3(RYR2):c.12917T>C (p.Phe4306Ser)

Genes: RYR2 (ryanodine receptor 2; plus strand), LOC126806068 (BRD4-independent group 4 enhancer GRCh37_chr1:237947411-237948610; plus strand). Cytogenetic location: 1q43.
Variant type: single nucleotide variant.
Coding change: c.12917T>C on transcript NM_001035.3 (MANE Select); coding-DNA position 12917, T replaced by C.
Protein change: p.Phe4306Ser; replaces phenylalanine 4306 with serine.
Molecular consequence: missense variant.
Genome position (GRCh38, 1-based): chr1:237,784,629, T>C. VCF-style: chr1-237784629-T-C. GRCh37 (hg19) VCF-style: chr1-237947929-T-C.
Other names: p.F4306S:TTC>TCC; c.12917T>C, p.Phe4306Ser (LRG_402t1); short protein forms F4306S.
Identifiers: ClinVar variation 201186 (VCV000201186.14), dbSNP rs776091285, ClinGen allele CA007740.
Genomic context (GRCh38, chr1:237,784,629, plus strand): 5'-CCTACTGGAGTATTTTCATGACCCTCTTGCACTTCGTGGCCAGCGTTTTCAGAGGCTTTT[T>C]CCGCATCATTTGCAGCCTGCTGCTTGGGGGAAGCCTCGTCGAAGGTGCTAAAAAGATCAA-3'
Protein context (NP_001026.2, residues 4296-4316): HFVASVFRGF[Phe4306Ser]RIICSLLLGG

ClinVar aggregate classification (germline): Conflicting classifications of pathogenicity. Review status: criteria provided, conflicting classifications (1 of 4 stars). 5 submissions from 5 submitters: Uncertain significance (2); Likely benign (3). Last evaluated 2024-11-06.

Conditions:
Cardiovascular phenotype. Identifiers: MedGen CN230736.
Cardiomyopathy (CMYO). Also called: Cardiomyopathies. Identifiers: Orphanet 167848, MedGen C0878544, MONDO:0004994, HP:0001638. Inheritance: Various modes of inheritance.
Catecholaminergic polymorphic ventricular tachycardia 1. Also called: VENTRICULAR TACHYCARDIA, CATECHOLAMINERGIC POLYMORPHIC, 1, WITH OR WITHOUT ATRIAL DYSFUNCTION AND/OR DILATED CARDIOMYOPATHY; VENTRICULAR TACHYCARDIA, STRESS-INDUCED POLYMORPHIC 1; RYR2-Related Catecholaminergic Polymorphic Ventricular Tachycardia. Identifiers: Orphanet 3286, MedGen C1631597, MONDO:0011484, OMIM 604772.

Allele frequency attached by ClinVar (database versions not stated): gnomAD exomes 0.00001 and 0.00004; ExAC 0.00002; gnomAD 0.00004 and 0.00026; TOPMed 0.00037.
gnomAD v4.1: 48 of 1,613,678 alleles (0.003%); highest among the groups gnomAD compares: Non-Finnish European, 0.0016%; no homozygotes.

Submissions (5):

Labcorp Genetics (formerly Invitae), Labcorp
Classification: Uncertain significance for Catecholaminergic polymorphic ventricular tachycardia 1. Last evaluated: 2024-11-06. Review status: criteria provided, single submitter. Criteria: Invitae Variant Classification Sherloc (09022015). Collection method: clinical testing. Allele origin: germline.
Comment: This sequence change replaces phenylalanine, which is neutral and non-polar, with serine, which is neutral and polar, at codon 4306 of the RYR2 protein (p.Phe4306Ser). This variant is present in population databases (rs776091285, gnomAD 0.006%). This missense change has been observed in individual(s) with arrhythmogenic ventricular dysplasia/cardiomyopathy (PMID: 26569459). ClinVar contains an entry for this variant (Variation ID: 201186). Invitae Evidence Modeling of protein sequence and biophysical properties (such as structural, functional, and spatial information, amino acid conservation, physicochemical variation, residue mobility, and thermodynamic stability) indicates that this missense variant is not expected to disrupt RYR2 protein function with a negative predictive value of 95%. In summary, the available evidence is currently insufficient to determine the role of this variant in disease. Therefore, it has been classified as a Variant of Uncertain Significance.

Blueprint Genetics
Classification: Likely benign. Last evaluated: 2023-06-13. Review status: criteria provided, single submitter. Criteria: ACMG Guidelines, 2015. Collection method: clinical testing. Allele origin: germline.

Ambry Genetics
Classification: Likely benign for Cardiovascular phenotype. Last evaluated: 2022-08-25. Review status: criteria provided, single submitter. Criteria: Ambry Variant Classification Scheme 2023. Collection method: clinical testing. Allele origin: germline.

Color Diagnostics, LLC DBA Color Health
Classification: Likely benign for Cardiomyopathy. Last evaluated: 2019-01-08. Review status: criteria provided, single submitter. Criteria: ACMG Guidelines, 2015. Collection method: clinical testing. Allele origin: germline.

GeneDx
Classification: Uncertain significance. Last evaluated: 2018-12-07. Review status: criteria provided, single submitter. Criteria: GeneDx Variant Classification (06012015). Collection method: clinical testing. Allele origin: germline. Affected: yes.
Comment: However, thus far, segregation data is limited or absent for this individual. The F4306S variant is observed in 7/111,248 (0.006%) alleles from individuals of European (non-Finnish) ancestry in large population cohorts (Lek et al., 2016). The F4306S variant is a non-conservative amino acid substitution, which is likely to impact secondary protein structure as these residues differ in polarity, charge, size and/or other properties. Moreover, In-silico analyses, including protein predictors and evolutionary conservation, support a deleterious effect.

Literature cited by the submitters: PubMed 26569459 (cited by Labcorp Genetics (formerly Invitae), Labcorp and Ambry Genetics).